The following is an entry in ClinVar:

ClinVar aggregate classification (germline): Pathogenic/Likely pathogenic. Review status: criteria provided, multiple submitters, no conflicts (2 of 4 stars). 2 submissions from 2 submitters: Pathogenic (1); Likely pathogenic (1). Last evaluated 2023-10-13.

Conditions:
Intellectual developmental disorder, autosomal dominant 41. Also called: Intellectual disability, autosomal dominant 41. Identifiers: Orphanet 2823, MedGen C4310784, MONDO:0014842, OMIM 616944.
Pierpont syndrome (PRPTS). Identifiers: Orphanet 487825, MedGen C1865644, MONDO:0011213, OMIM 602342.

Submissions (2):

Centre for Inherited Metabolic Diseases, Karolinska University Hospital
Classification: Likely pathogenic for Intellectual developmental disorder, autosomal dominant 41. Last evaluated: 2023-10-13. Review status: criteria provided, single submitter. Criteria: ACMG Guidelines, 2015. Collection method: clinical testing. Allele origin: de novo. Inheritance: Autosomal dominant inheritance. Affected: yes. Observed: 1 heterozygote.
Comment: Sanger sequencing of cDNA from mRNA isolated from blood has shown that the variant has an effect on splicing.

Labcorp Genetics (formerly Invitae), Labcorp
Classification: Pathogenic for Pierpont syndrome. Last evaluated: 2021-12-01. Review status: criteria provided, single submitter. Criteria: Invitae Variant Classification Sherloc (09022015). Collection method: clinical testing. Allele origin: germline.
Comment: This variant has been observed in individual(s) with clinical features of TBL1XR1-related conditions (Invitae). In at least one individual the variant was observed to be de novo. ClinVar contains an entry for this variant (Variation ID: 1018524). Algorithms developed to predict the effect of sequence changes on RNA splicing suggest that this variant may disrupt the consensus splice site. For these reasons, this variant has been classified as Pathogenic. This variant is not present in population databases (gnomAD no frequency). This sequence change falls in intron 4 of the TBL1XR1 gene. It does not directly change the encoded amino acid sequence of the TBL1XR1 protein.

NM_024665.7(TBL1XR1):c.205-7A>G

Gene: TBL1XR1 (TBL1X/Y related 1; minus strand). Cytogenetic location: 3q26.32.
Variant type: single nucleotide variant.
Coding change: c.205-7A>G on transcript NM_024665.7 (MANE Select); 7 bases into the intron before coding-DNA position 205, A replaced by G.
Molecular consequence: intron variant.
Genome position (GRCh38, 1-based): chr3:177,051,733, T>C on the plus strand (A>G on the coding strand, the complement: TBL1XR1 is on the minus strand). VCF-style: chr3-177051733-T-C. GRCh37 (hg19) VCF-style: chr3-176769521-T-C.
Other names: c.205-7A>G (NM_024665.5, NM_001374327.1, NM_001321194.3 and 3 more transcripts); c.-57-7A>G (NM_001374330.1, NM_001321195.3).
Identifiers: ClinVar variation 1018524 (VCV001018524.6), dbSNP rs1717116134, ClinGen allele CA1422669639.